The following is an entry in ClinVar:

NM_012418.4(FSCN2):c.1124C>T (p.Thr375Ile)

Gene: FSCN2 (fascin actin-bundling protein 2, retinal; plus strand). Cytogenetic location: 17q25.3.
Variant type: single nucleotide variant.
Coding change: c.1124C>T on transcript NM_012418.4 (MANE Select); coding-DNA position 1124, C replaced by T.
Protein change: p.Thr375Ile; replaces threonine 375 with isoleucine.
Molecular consequence: missense variant.
Genome position (GRCh38, 1-based): chr17:81,536,640, C>T. VCF-style: chr17-81536640-C-T. GRCh37 (hg19) VCF-style: chr17-79503666-C-T.
Other names: c.1196C>T, p.Thr399Ile (NM_001077182.3); short protein forms T375I, T399I.
Identifiers: ClinVar variation 1403987 (VCV001403987.6), dbSNP rs183485967, ClinGen allele CA8837012.

ClinVar aggregate classification (germline): Uncertain significance (1 of 4 stars; one submission).

gnomAD v4.1: 30 of 1,610,374 alleles (0.0019%); highest among the groups gnomAD compares: Admixed American, 0.0033%; no homozygotes.

Submission:

Labcorp Genetics (formerly Invitae), Labcorp
Classification: Uncertain significance. Last evaluated: 2025-07-28. Review status: criteria provided, single submitter. Criteria: Invitae Variant Classification Sherloc (09022015). Collection method: clinical testing. Allele origin: germline.
Comment: This sequence change replaces threonine, which is neutral and polar, with isoleucine, which is neutral and non-polar, at codon 399 of the FSCN2 protein (p.Thr399Ile). This variant is present in population databases (rs183485967, gnomAD 0.006%). This variant has not been reported in the literature in individuals affected with FSCN2-related conditions. ClinVar contains an entry for this variant (Variation ID: 1403987). An algorithm developed to predict the effect of missense changes on protein structure and function outputs the following: PolyPhen-2: "Benign". The isoleucine amino acid residue is found in multiple mammalian species, which suggests that this missense change does not adversely affect protein function. In summary, the available evidence is currently insufficient to determine the role of this variant in disease. Therefore, it has been classified as a Variant of Uncertain Significance.